The following is an entry in ClinVar:

NM_007294.4(BRCA1):c.1928GTT[1] (p.Cys644del)

Gene: BRCA1 (BRCA1 DNA repair associated; minus strand). Cytogenetic location: 17q21.31.
Variant type: Microsatellite.
Coding change: c.1928GTT[1] on transcript NM_007294.4 (MANE Select); one copy of the 3-base unit GTT starting at c.1928; the reference has two copies in a row; one copy, 3 bases deleted.
Protein change: p.Cys644del; deletes cysteine 644.
Molecular consequence: inframe deletion. On other transcripts: inframe indel (1), intron variant (137).
Genome position (GRCh38, 1-based): chr17:43,093,598-43,093,600, AAC deleted on the plus strand (GTT on the coding strand, the reverse complement: BRCA1 is on the minus strand); deleting any 3 consecutive bases within chr17:43,093,598-43,093,603 gives the same sequence; the position shown is the placement nearest the transcript's 3' end. VCF-style (leftmost placement, unchanged base first): chr17-43093597-GAAC-G. GRCh37 (hg19) VCF-style: chr17-41245614-GAAC-G.
Other names: c.1931_1933delGTT (NM_007294.3); c.1718GTT[1], p.Cys574del (NM_001407887.1, NM_001407889.1, NM_001407900.1 and 13 more transcripts); c.1715GTT[1], p.Cys573del (NM_001407894.1, NM_001407895.1, NM_001407896.1 and 9 more transcripts); c.1805GTT[1], p.Cys603del (NM_001407919.1, NM_001407937.1, NM_001407938.1 and 19 more transcripts); c.1664GTT[1], p.Cys556del (NM_001407920.1, NM_001407921.1, NM_001407922.1 and 9 more transcripts); c.1661GTT[1], p.Cys555del (NM_001407930.1, NM_001407931.1, NM_001407932.1 and 2 more transcripts); c.1802GTT[1], p.Cys602del (NM_001407940.1, NM_001407941.1, NM_001407649.1 and 11 more transcripts); c.1787GTT[1], p.Cys597del (NM_001407942.1, NM_001407944.1, NM_001407945.1 and 29 more transcripts); and 41 more; short protein forms C644del, C597del, C516del, C555del, C617del, C643del, C533del, C573del.
Identifiers: ClinVar variation 142815 (VCV000142815.5), dbSNP rs587782739, ClinGen allele CA001276.

ClinVar aggregate classification (germline): Uncertain significance. Review status: criteria provided, multiple submitters, no conflicts (2 of 4 stars). 2 submissions from 2 submitters: Uncertain significance (2). Last evaluated 2025-04-17.

Conditions:
Hereditary cancer-predisposing syndrome. Also called: Hereditary Cancer Syndrome; Neoplastic Syndromes, Hereditary; Hereditary neoplastic syndrome; Tumor predisposition. Identifiers: Orphanet 140162, MedGen C0027672, MeSH D009386, MONDO:0015356.
Hereditary breast ovarian cancer syndrome. Also called: BRCA1- and BRCA2-Associated Hereditary Breast and Ovarian Cancer; Hereditary breast and ovarian cancer syndrome; Hereditary breast and/or ovarian cancer syndrome; Breast and ovarian cancer; Hereditary breast and ovarian cancer; Hereditary breast and ovarian cancer syndrome (HBOC). Identifiers: Orphanet 145, MedGen C0677776, MeSH D061325, MONDO:0003582. Disease mechanism: loss of function.

Submissions (2):

Labcorp Genetics (formerly Invitae), Labcorp
Classification: Uncertain significance for Hereditary breast ovarian cancer syndrome. Last evaluated: 2025-04-17. Review status: criteria provided, single submitter. Criteria: Invitae Variant Classification Sherloc (09022015). Collection method: clinical testing. Allele origin: germline.
Comment: This variant, c.1931_1933del, results in the deletion of 1 amino acid(s) of the BRCA1 protein (p.Cys644del), but otherwise preserves the integrity of the reading frame. This variant is not present in population databases (gnomAD no frequency). This variant has not been reported in the literature in individuals affected with BRCA1-related conditions. Experimental studies and prediction algorithms are not available or were not evaluated, and the functional significance of this variant is currently unknown. In summary, the available evidence is currently insufficient to determine the role of this variant in disease. Therefore, it has been classified as a Variant of Uncertain Significance.

Ambry Genetics
Classification: Uncertain significance for Hereditary cancer-predisposing syndrome. Last evaluated: 2014-03-18. Review status: criteria provided, single submitter. Criteria: Ambry Autosomal Dominant and X-Linked criteria (10/2015). Collection method: clinical testing. Allele origin: germline. Observed: 1 variant allele.
Comment: Ã¢â‚¬â€¹The c.1931_1933delGTT variant (also known as 2050_2052delGTT or p.C644del) is located in coding exon 9 of the BRCA1 gene. This variant results from an in-frame deletion of 3 nucleotides at positions 1931 to 1933. This results in the deletion of a cysteine residue at codon 644.This variant was not reported in population-based cohorts in the following databases: Database of Single Nucleotide Polymorphisms (dbSNP), NHLBI Exome Sequencing Project (ESP) and 1000 Genomes Project.To date, this alteration has been detected with an allele frequency of approximately 0.002% (greater than 42,000 alleles tested) in our clinical cohort (includes this individual). This amino acid position is not well conserved on sequence alignment of available vertebrate species. Since supporting evidence for this variant is limited at this time, the clinical significance of this variant remains unclear.